The following is an entry in ClinVar:

ClinVar aggregate classification (germline): Uncertain significance (1 of 4 stars; one submission).

Submission:

GeneDx
Classification: Uncertain significance. Last evaluated: 2023-01-26. Review status: criteria provided, single submitter. Criteria: GeneDx Variant Classification Process June 2021. Collection method: clinical testing. Allele origin: germline. Affected: yes.
Comment: Not observed at significant frequency in large population cohorts (gnomAD); In silico analysis supports that this missense variant does not alter protein structure/function; Has not been previously published as pathogenic or benign to our knowledge

NM_032043.3(BRIP1):c.2147A>G (p.Asn716Ser)

Gene: BRIP1 (BRCA1 interacting DNA helicase 1; minus strand). Cytogenetic location: 17q23.2.
Variant type: single nucleotide variant.
Coding change: c.2147A>G on transcript NM_032043.3 (MANE Select); coding-DNA position 2147, A replaced by G.
Protein change: p.Asn716Ser; replaces asparagine 716 with serine.
Molecular consequence: missense variant.
Genome position (GRCh38, 1-based): chr17:61,744,542, T>C on the plus strand (A>G on the coding strand, the complement: BRIP1 is on the minus strand). VCF-style: chr17-61744542-T-C. GRCh37 (hg19) VCF-style: chr17-59821903-T-C.
Other names: short protein forms N716S.
Identifiers: ClinVar variation 2574427 (VCV002574427.1), dbSNP rs2144699475, ClinGen allele CA400483194.